The following is an entry in ClinVar:

NM_001999.4(FBN2):c.3126A>T (p.Lys1042Asn)

Genes: FBN2 (fibrillin 2; minus strand), LOC126807501 (BRD4-independent group 4 enhancer GRCh37_chr5:127680731-127681930; plus strand). Cytogenetic location: 5q23.3.
Variant type: single nucleotide variant.
Coding change: c.3126A>T on transcript NM_001999.4 (MANE Select); coding-DNA position 3126, A replaced by T.
Protein change: p.Lys1042Asn; replaces lysine 1042 with asparagine.
Molecular consequence: missense variant.
Genome position (GRCh38, 1-based): chr5:128,345,448, T>A on the plus strand (A>T on the coding strand, the complement: FBN2 is on the minus strand). VCF-style: chr5-128345448-T-A. GRCh37 (hg19) VCF-style: chr5-127681140-T-A.
Other names: short protein forms K1042N.
Identifiers: ClinVar variation 2848591 (VCV002848591.3), dbSNP rs2479290620, ClinGen allele CA360763086.
Genomic context (GRCh38, chr5:128,345,448, plus strand): 5'-CCCTCGGTTAGCAAAGCCAGCCCCGCGGGGGCACAGCGTCTCGTATTCCTTGGTGCCAGG[T>A]TTGGGGCACTCCTCACACTCGGTGCCCCAAGCCGCCCCGACAGCACAGCAGCAGGCATCC-3'
Protein context (NP_001990.2, residues 1032-1052): AWGTECEECP[Lys1042Asn]PGTKEYETLC

ClinVar aggregate classification (germline): Uncertain significance (1 of 4 stars; one submission).

Conditions:
Congenital contractural arachnodactyly (CCA). Also called: BEALS SYNDROME; Beals-Hecht syndrome; Arthrogryposis, distal, type 9. Identifiers: Orphanet 115, MedGen C0220668, MONDO:0007363, OMIM 121050.

Submission:

Labcorp Genetics (formerly Invitae), Labcorp
Classification: Uncertain significance for Congenital contractural arachnodactyly. Last evaluated: 2023-03-22. Review status: criteria provided, single submitter. Criteria: Invitae Variant Classification Sherloc (09022015). Collection method: clinical testing. Allele origin: germline.
Comment: This sequence change replaces lysine, which is basic and polar, with asparagine, which is neutral and polar, at codon 1042 of the FBN2 protein (p.Lys1042Asn). This variant is not present in population databases (gnomAD no frequency). This missense change has been observed in individual(s) with congenital contractural arachnodactyly (Invitae). Advanced modeling of protein sequence and biophysical properties (such as structural, functional, and spatial information, amino acid conservation, physicochemical variation, residue mobility, and thermodynamic stability) performed at Invitae indicates that this missense variant is not expected to disrupt FBN2 protein function. In summary, the available evidence is currently insufficient to determine the role of this variant in disease. Therefore, it has been classified as a Variant of Uncertain Significance.